The following is an entry in ClinVar:

NM_000891.3(KCNJ2):c.917C>T (p.Ala306Val)

Gene: KCNJ2 (potassium inwardly rectifying channel subfamily J member 2; plus strand). Cytogenetic location: 17q24.3.
Variant type: single nucleotide variant.
Coding change: c.917C>T on transcript NM_000891.3 (MANE Select); coding-DNA position 917, C replaced by T.
Protein change: p.Ala306Val; replaces alanine 306 with valine.
Molecular consequence: missense variant.
Genome position (GRCh38, 1-based): chr17:70,175,956, C>T. VCF-style: chr17-70175956-C-T. GRCh37 (hg19) VCF-style: chr17-68172097-C-T.
Other names: short protein forms A306V.
Identifiers: ClinVar variation 1766068 (VCV001766068.2), dbSNP rs2509921532, ClinGen allele CA400862666.
Genomic context (GRCh38, chr17:70,175,956, plus strand): 5'-ACATTGACAACGCAGACTTTGAAATCGTGGTCATACTGGAAGGCATGGTGGAAGCCACTG[C>T]CATGACGACACAGTGCCGTAGCTCTTATCTAGCAAATGAAATCCTGTGGGGCCACCGCTA-3'
Protein context (NP_000882.1, residues 296-316): VILEGMVEAT[Ala306Val]MTTQCRSSYL

ClinVar aggregate classification (germline): Uncertain significance (1 of 4 stars; one submission).

Conditions:
Cardiovascular phenotype. Identifiers: MedGen CN230736.

Submission:

Ambry Genetics
Classification: Uncertain significance for Cardiovascular phenotype. Last evaluated: 2021-02-23. Review status: criteria provided, single submitter. Criteria: Ambry Variant Classification Scheme 2023. Collection method: clinical testing. Allele origin: germline.
Comment: The p.A306V variant (also known as c.917C>T), located in coding exon 1 of the KCNJ2 gene, results from a C to T substitution at nucleotide position 917. The alanine at codon 306 is replaced by valine, an amino acid with similar properties. This amino acid position is highly conserved in available vertebrate species. In addition, this alteration is predicted to be deleterious by in silico analysis. Since supporting evidence is limited at this time, the clinical significance of this alteration remains unclear.